The following is an entry in ClinVar:

ClinVar aggregate classification (germline): Uncertain significance (1 of 4 stars; one submission).

Conditions:
Joubert syndrome 20 (JBTS20). Identifiers: Orphanet 475, MedGen C3554235, MONDO:0013994, OMIM 614970.
Meckel syndrome, type 11 (MKS11). Identifiers: Orphanet 564, MedGen C3809352, MONDO:0014164, OMIM 615397.

gnomAD v4.1: 2 of 1,613,766 alleles (0.00012%); highest among the groups gnomAD compares: East Asian, 0.0022%; no homozygotes.

Submission:

Labcorp Genetics (formerly Invitae), Labcorp
Classification: Uncertain significance for Joubert syndrome 20; Meckel syndrome, type 11. Last evaluated: 2022-09-01. Review status: criteria provided, single submitter. Criteria: Invitae Variant Classification Sherloc (09022015). Collection method: clinical testing. Allele origin: germline.
Comment: In summary, the available evidence is currently insufficient to determine the role of this variant in disease. Therefore, it has been classified as a Variant of Uncertain Significance. Algorithms developed to predict the effect of missense changes on protein structure and function are either unavailable or do not agree on the potential impact of this missense change (SIFT: "Tolerated"; PolyPhen-2: "Not Available"; Align-GVGD: "Class C0"). ClinVar contains an entry for this variant (Variation ID: 1488753). This variant has not been reported in the literature in individuals affected with TMEM231-related conditions. This variant is not present in population databases (gnomAD no frequency). This sequence change replaces isoleucine, which is neutral and non-polar, with threonine, which is neutral and polar, at codon 353 of the TMEM231 protein (p.Ile353Thr).

NM_001077418.3(TMEM231):c.899T>C (p.Ile300Thr)

Gene: TMEM231 (transmembrane protein 231; minus strand). Cytogenetic location: 16q23.1.
Variant type: single nucleotide variant.
Coding change: c.899T>C on transcript NM_001077418.3 (MANE Select); coding-DNA position 899, T replaced by C.
Protein change: p.Ile300Thr; replaces isoleucine 300 with threonine.
Molecular consequence: missense variant. On other transcripts: non-coding transcript variant (1).
Genome position (GRCh38, 1-based): chr16:75,540,046, A>G on the plus strand (T>C on the coding strand, the complement: TMEM231 is on the minus strand). VCF-style: chr16-75540046-A-G. GRCh37 (hg19) VCF-style: chr16-75573944-A-G.
Other names: c.1058T>C, p.Ile353Thr (NM_001077416.2); short protein forms I300T, I353T.
Identifiers: ClinVar variation 1488753 (VCV001488753.6), dbSNP rs2151697600, ClinGen allele CA396802317.